The following is an entry in ClinVar:

NM_000535.7(PMS2):c.1667A>G (p.Glu556Gly)

Gene: PMS2 (PMS1 homolog 2, mismatch repair system component; minus strand). Cytogenetic location: 7p22.1.
Variant type: single nucleotide variant.
Coding change: c.1667A>G on transcript NM_000535.7 (MANE Select); coding-DNA position 1667, A replaced by G.
Protein change: p.Glu556Gly; replaces glutamic acid 556 with glycine.
Molecular consequence: missense variant. On other transcripts: non-coding transcript variant (1).
Genome position (GRCh38, 1-based): chr7:5,987,098, T>C on the plus strand (A>G on the coding strand, the complement: PMS2 is on the minus strand). VCF-style: chr7-5987098-T-C. GRCh37 (hg19) VCF-style: chr7-6026729-T-C.
Other names: c.1262A>G, p.Glu421Gly (NM_001322003.2, NM_001322004.2, NM_001322005.2 and 1 more transcripts); c.1511A>G, p.Glu504Gly (NM_001322006.2); c.1349A>G, p.Glu450Gly (NM_001322007.2, NM_001322008.2); c.1106A>G, p.Glu369Gly (NM_001322010.2); c.734A>G, p.Glu245Gly (NM_001322011.2, NM_001322012.2); c.1094A>G, p.Glu365Gly (NM_001322013.2); c.1667A>G, p.Glu556Gly (NM_001322014.2); c.1358A>G, p.Glu453Gly (NM_001322015.2); short protein forms E369G, E245G, E453G, E450G, E504G, E556G, E365G, E421G.
Identifiers: ClinVar variation 1419580 (VCV001419580.10), dbSNP rs2128725672, ClinGen allele CA366741290.

ClinVar aggregate classification (germline): Uncertain significance. Review status: criteria provided, multiple submitters, no conflicts (2 of 4 stars). 2 submissions from 2 submitters: Uncertain significance (2). Last evaluated 2024-04-29.

Conditions:
Hereditary nonpolyposis colorectal neoplasms. Identifiers: MedGen C0009405, MeSH D003123.
Hereditary cancer-predisposing syndrome. Also called: Neoplastic Syndromes, Hereditary; Hereditary Cancer Syndrome; Hereditary neoplastic syndrome; Tumor predisposition. Identifiers: Orphanet 140162, MedGen C0027672, MeSH D009386, MONDO:0015356.

Submissions (2):

Labcorp Genetics (formerly Invitae), Labcorp
Classification: Uncertain significance for Hereditary nonpolyposis colorectal neoplasms. Last evaluated: 2024-04-29. Review status: criteria provided, single submitter. Criteria: Invitae Variant Classification Sherloc (09022015). Collection method: clinical testing. Allele origin: germline.
Comment: This sequence change replaces glutamic acid, which is acidic and polar, with glycine, which is neutral and non-polar, at codon 556 of the PMS2 protein (p.Glu556Gly). This variant is not present in population databases (gnomAD no frequency). This variant has not been reported in the literature in individuals affected with PMS2-related conditions. ClinVar contains an entry for this variant (Variation ID: 1419580). Advanced modeling of protein sequence and biophysical properties (such as structural, functional, and spatial information, amino acid conservation, physicochemical variation, residue mobility, and thermodynamic stability) performed at Invitae indicates that this missense variant is not expected to disrupt PMS2 protein function with a negative predictive value of 80%. In summary, the available evidence is currently insufficient to determine the role of this variant in disease. Therefore, it has been classified as a Variant of Uncertain Significance.

Ambry Genetics
Classification: Uncertain significance for Hereditary cancer-predisposing syndrome. Last evaluated: 2019-11-12. Review status: criteria provided, single submitter. Criteria: Ambry Variant Classification Scheme 2023. Collection method: clinical testing. Allele origin: germline.
Comment: The p.E556G variant (also known as c.1667A>G), located in coding exon 11 of the PMS2 gene, results from an A to G substitution at nucleotide position 1667. The glutamic acid at codon 556 is replaced by glycine, an amino acid with similar properties. This amino acid position is not well conserved in available vertebrate species. In addition, this alteration is predicted to be tolerated by in silico analysis. Since supporting evidence is limited at this time, the clinical significance of this alteration remains unclear.